The following is an entry in ClinVar:

NM_000372.5(TYR):c.325G>A (p.Gly109Arg)

Gene: TYR (tyrosinase; plus strand). Cytogenetic location: 11q14.3.
Variant type: single nucleotide variant.
Coding change: c.325G>A on transcript NM_000372.5 (MANE Select); coding-DNA position 325, G replaced by A.
Protein change: p.Gly109Arg; replaces glycine 109 with arginine.
Molecular consequence: missense variant.
Genome position (GRCh38, 1-based): chr11:89,178,278, G>A. VCF-style: chr11-89178278-G-A. GRCh37 (hg19) VCF-style: chr11-88911446-G-A.
Other names: short protein forms G109R.
Identifiers: ClinVar variation 99562 (VCV000099562.15), dbSNP rs61753253, ClinGen allele CA227559.
Genomic context (GRCh38, chr11:89,178,278, plus strand): 5'-TGCCAGTGCTCTGGCAACTTCATGGGATTCAACTGTGGAAACTGCAAGTTTGGCTTTTGG[G>A]GACCAAACTGCACAGAGAGACGACTCTTGGTGAGAAGAAACATCTTCGATTTGAGTGCCC-3'
Protein context (NP_000363.1, residues 99-119): NCGNCKFGFW[Gly109Arg]PNCTERRLLV

ClinVar aggregate classification (germline): Pathogenic/Likely pathogenic. Review status: criteria provided, multiple submitters, no conflicts (2 of 4 stars). 10 submissions from 10 submitters: Pathogenic (4); Likely pathogenic (5). 1 of the submissions does not count toward it. Last evaluated 2026-05-14.

Conditions:
SKIN/HAIR/EYE PIGMENTATION 3, LIGHT/DARK SKIN (SHEP3). Also called: SKIN/HAIR/EYE PIGMENTATION 3, BLUE/GREEN EYE COLOR; SKIN/HAIR/EYE PIGMENTATION 3, FRECKLING; SKIN/HAIR/EYE PIGMENTATION, VARIATION IN, 3; EYE COLOR 1; EYE COLOR, GREEN/BLUE. Identifiers: MedGen C2677190, OMIM 601800.
Oculocutaneous albinism type 1A (OCA1A). Also called: Albinism, oculocutaneous, type IA. Identifiers: Orphanet 352731, Orphanet 79431, MedGen C4551504, MONDO:0008745, OMIM 203100. Disease mechanism: loss of function.
Oculocutaneous albinism type 1B (OCA1B). Also called: YELLOW ALBINISM; ALBINISM, OCULOCUTANEOUS, TYPE IB; ALBINISM, YELLOW MUTANT TYPE. Identifiers: Orphanet 352731, Orphanet 352737, Orphanet 79434, MedGen C1847024, MONDO:0011749, OMIM 606952.
TYR-related disorder. Also called: TYR-related condition.
Elevated circulating hepatic transaminase concentration. Also called: Elevated hepatic transaminases; Elevated hepatic transaminase. Identifiers: MedGen C0235996, HP:0002910.
Slow decrease in visual acuity. Identifiers: MedGen C1853141, HP:0007924.
Choroidal neovascularization. Identifiers: MedGen C0600518, MONDO:0810000, HP:0011506.
Abnormality of metabolism/homeostasis. Identifiers: MedGen C4021768, HP:0001939.
Foveal hypoplasia. Also called: Hypoplasia of the fovea. Identifiers: MedGen C2673946, MONDO:0044203, HP:0007750.
Albinism. Identifiers: MedGen C0001916, MONDO:0043209, HP:0001022.

Allele frequency attached by ClinVar (database versions not stated): ExAC 0.00004; gnomAD exomes 0.00005 and 0.00006; TOPMed 0.00005; gnomAD 0.00008 and 0.00009.
gnomAD v4.1: 103 of 1,613,946 alleles (0.0064%); highest among the groups gnomAD compares: Non-Finnish European, 0.0078%; 1 homozygote.

Submissions (10):

PreventionGenetics, part of Exact Sciences
Classification: Likely pathogenic for TYR-related condition. Last evaluated: 2026-05-14. Review status: criteria provided, single submitter. Criteria: ACMG Guidelines, 2015. Collection method: clinical testing. Allele origin: germline.
Comment: The TYR c.325G>A variant is predicted to result in the amino acid substitution p.Gly109Arg. This variant has been reported in multiple individuals with autosomal recessive oculocutaneous albinism (Camand et al. 2001. PubMed ID: 11295837; Hovnik et al. 2021. PubMed ID: 34897530; Table S1, Weisschuh et al. 2024. PubMed ID: 37734845). This variant is present in 0.013% of alleles in individuals of European (Non-Finnish) descent in gnomAD. This variant is interpreted as likely pathogenic.

Labcorp Genetics (formerly Invitae), Labcorp
Classification: Pathogenic. Last evaluated: 2025-11-01. Review status: criteria provided, single submitter. Criteria: Invitae Variant Classification Sherloc (09022015). Collection method: clinical testing. Allele origin: germline.
Comment: This sequence change replaces glycine, which is neutral and non-polar, with arginine, which is basic and polar, at codon 109 of the TYR protein (p.Gly109Arg). This variant is present in population databases (rs61753253, gnomAD 0.01%). This missense change has been observed in individual(s) with oculocutaneous albinism (PMID: 11295837, 27734839, 29345414; internal data). In at least one individual the data is consistent with being in trans (on the opposite chromosome) from a pathogenic variant. ClinVar contains an entry for this variant (Variation ID: 99562). Invitae Evidence Modeling of protein sequence and biophysical properties (such as structural, functional, and spatial information, amino acid conservation, physicochemical variation, residue mobility, and thermodynamic stability) indicates that this missense variant is expected to disrupt TYR protein function with a positive predictive value of 95%. For these reasons, this variant has been classified as Pathogenic.

GeneDx
Classification: Likely pathogenic. Last evaluated: 2025-08-07. Review status: criteria provided, single submitter. Criteria: GeneDx Variant Classification Process June 2021. Collection method: clinical testing. Allele origin: germline. Affected: yes.
Comment: In silico analysis supports that this missense variant has a deleterious effect on protein structure/function; Observed with two additional variants in TYR in patients with oculocutaneous albinism; the phase of these variants was not reported (PMID: 34897530, 27734839); This variant is associated with the following publications: (PMID: 11295837, 31589614, 33124154, 37734845, 34897530, 35887175, 29345414, 39609110, 27734839)

Laboratory of Genetic Epidemiology, Research Centre for Medical Genetics
Classification: Likely pathogenic for Oculocutaneous albinism type 1A; Oculocutaneous albinism type 1B. Last evaluated: 2025-01-01. Review status: criteria provided, single submitter. Criteria: ACMG Guidelines, 2015. Collection method: clinical testing. Allele origin: unknown. Inheritance: Autosomal recessive inheritance. Affected: yes. Observed: 1 heterozygote.
Comment: The missense variant NM_000372.5:c.325G>A, p.(Gly109Arg) was identified in a heterozygous state in 4 probands diagnosed with albinism. This variant has been previously reported in the literature (PMIDs: 11295837, 27734839, 29345414) and is listed in gnomAD v3.1.2 with allele frequency 0.00009 in Europe (1/10602). The affected amino acid position is evolutionarily conserved and located in close proximity to the N-glycosylation site (N111) (PMID: 12028580). We assume that this variant is highly likely to be in trans-position with other pathogenic variants in 4 probands; therefore, based on the literature (PMID: 30311386), we apply the ACMG pathogenic criterion PM3 Moderate. Taken together, the variant meets the following ACMG/AMP criteria and can be classified as likely pathogenic with PM2, PP3, PM3, PP5, PP4 criteria.

Blueprint Genetics
Classification: Pathogenic for TYR-related disorders. Last evaluated: 2024-08-15. Review status: criteria provided, single submitter. Criteria: ACMG Guidelines, 2015. Collection method: clinical testing. Allele origin: germline. Affected: yes. Observed: 5 variant alleles.

Fulgent Genetics
Classification: Pathogenic for Oculocutaneous albinism type 1A; SKIN/HAIR/EYE PIGMENTATION 3, LIGHT/DARK SKIN; Oculocutaneous albinism type 1B. Last evaluated: 2024-05-14. Review status: criteria provided, single submitter. Criteria: ACMG Guidelines, 2015. Collection method: clinical testing. Allele origin: germline.

Baylor Genetics
Classification: Pathogenic for SKIN/HAIR/EYE PIGMENTATION 3, LIGHT/DARK SKIN. Last evaluated: 2024-03-26. Review status: criteria provided, single submitter. Criteria: ACMG Guidelines, 2015. Collection method: clinical testing. Allele origin: unknown.

Department of Pathology and Laboratory Medicine, Sinai Health System
Classification: Likely pathogenic for Oculocutaneous albinism type 1B; Oculocutaneous albinism type 1A. Last evaluated: 2023-02-03. Review status: criteria provided, single submitter. Criteria: ACMG Guidelines, 2015. Collection method: research. Allele origin: germline.

Centre for Mendelian Genomics, University Medical Centre Ljubljana
Classification: Likely pathogenic for Abnormality of metabolism/homeostasis; Albinism; Choroidal neovascularization; Elevated circulating hepatic transaminase concentration; Foveal hypoplasia; Slow decrease in visual acuity. Last evaluated: 2017-01-01. Review status: criteria provided, single submitter. Criteria: ACMG Guidelines, 2015. Collection method: clinical testing. Allele origin: unknown. Affected: yes.

Retina International
No classification provided. Review status: no classification provided. Collection method: not provided. Allele origin: not provided. Not counted in ClinVar's aggregate classification.

Literature cited by the submitters: PubMed 11295837 (cited by Labcorp Genetics (formerly Invitae), Labcorp); PubMed 27734839 (cited by Labcorp Genetics (formerly Invitae), Labcorp); PubMed 29345414 (cited by Labcorp Genetics (formerly Invitae), Labcorp); PubMed 41428507 (cited by Laboratory of Genetic Epidemiology, Research Centre for Medical Genetics).